The following is an entry in ClinVar:

ClinVar aggregate classification (germline): Uncertain significance (1 of 4 stars; one submission).

Conditions:
PCNT-related disorder. Also called: PCNT-related condition.

Submission:

PreventionGenetics, part of Exact Sciences
Classification: Uncertain significance for PCNT-related condition. Last evaluated: 2025-02-16. Review status: criteria provided, single submitter. Criteria: ACMG Guidelines, 2015. Collection method: clinical testing. Allele origin: germline.
Comment: The PCNT c.9405G>T variant is predicted to result in the amino acid substitution p.Leu3135Phe. To our knowledge, this variant has not been reported in the literature. This variant is reported in 0.0018% of alleles in individuals of European (Non-Finnish) descent in gnomAD. At this time, the clinical significance of this variant is uncertain due to the absence of conclusive functional and genetic evidence.

NM_006031.6(PCNT):c.9405G>T (p.Leu3135Phe)

Gene: PCNT (pericentrin; plus strand). Cytogenetic location: 21q22.3.
Variant type: single nucleotide variant.
Coding change: c.9405G>T on transcript NM_006031.6 (MANE Select); coding-DNA position 9405, G replaced by T.
Protein change: p.Leu3135Phe; replaces leucine 3135 with phenylalanine.
Molecular consequence: missense variant.
Genome position (GRCh38, 1-based): chr21:46,440,866, G>T. VCF-style: chr21-46440866-G-T. GRCh37 (hg19) VCF-style: chr21-47860779-G-T.
Other names: c.8814G>T, p.Leu2938Phe (NM_001315529.2); short protein forms L2938F, L3135F.
Identifiers: ClinVar variation 4978817 (VCV004978817.1).
Genomic context (GRCh38, chr21:46,440,866, plus strand): 5'-GACAGTCTTTGTTTCCTATGATAAAATTTTACTGCTTTTTTTCTTTTAGATGGAAAAATT[G>T]TACCTGCATTACTTGAGAGCAGAGAGCTTTAGAAAAGCTCTGATTTATCAAAAGAAGTAT-3'
Protein context (NP_006022.3, residues 3125-3145): AHTSNVKMEK[Leu3135Phe]YLHYLRAESF